The following is an entry in ClinVar:

ClinVar aggregate classification (germline): Uncertain significance. Review status: criteria provided, single submitter (1 of 4 stars). 2 submissions from 2 submitters: Uncertain significance (1). 1 of the submissions does not count toward it. Last evaluated 2021-08-27.

Conditions:
Nemaline myopathy 2 (NEM2). Also called: Nemaline myopathy 2, autosomal recessive. Identifiers: MedGen C1850569, MONDO:0009725, OMIM 256030.

Allele frequency attached by ClinVar (database versions not stated): TOPMed below 0.00001.

Submissions (2):

Labcorp Genetics (formerly Invitae), Labcorp
Classification: Uncertain significance for Nemaline myopathy 2. Last evaluated: 2021-08-27. Review status: criteria provided, single submitter. Criteria: Invitae Variant Classification Sherloc (09022015). Collection method: clinical testing. Allele origin: germline.
Comment: This sequence change replaces glycine with glutamic acid at codon 357 of the NEB protein (p.Gly357Glu). The glycine residue is moderately conserved and there is a moderate physicochemical difference between glycine and glutamic acid. This variant is not present in population databases (ExAC no frequency). This variant has not been reported in the literature in individuals affected with NEB-related conditions. Algorithms developed to predict the effect of missense changes on protein structure and function are either unavailable or do not agree on the potential impact of this missense change (SIFT: "Deleterious"; PolyPhen-2: "Not Available"; Align-GVGD: "Class C0"). In summary, the available evidence is currently insufficient to determine the role of this variant in disease. Therefore, it has been classified as a Variant of Uncertain Significance.

Natera, Inc.
Classification: Uncertain significance for Nemaline myopathy type 2. Last evaluated: 2020-08-10. Review status: no assertion criteria provided. Collection method: clinical testing. Allele origin: germline. Not counted in ClinVar's aggregate classification.

NM_001164508.2(NEB):c.1070G>A (p.Gly357Glu)

Gene: NEB (nebulin; minus strand). Cytogenetic location: 2q23.3.
Variant type: single nucleotide variant.
Coding change: c.1070G>A on transcript NM_001164508.2 (MANE Select); coding-DNA position 1070, G replaced by A.
Protein change: p.Gly357Glu; replaces glycine 357 with glutamic acid.
Molecular consequence: missense variant.
Genome position (GRCh38, 1-based): chr2:151,706,963, C>T on the plus strand (G>A on the coding strand, the complement: NEB is on the minus strand). VCF-style: chr2-151706963-C-T. GRCh37 (hg19) VCF-style: chr2-152563477-C-T.
Other names: c.1070G>A, p.Gly357Glu (NM_001164507.2, NM_001271208.2, NM_004543.5); short protein forms G357E.
Identifiers: ClinVar variation 1058230 (VCV001058230.10), dbSNP rs1221725692, ClinGen allele CA348826234.